The following is an entry in ClinVar:

NM_144701.3(IL23R):c.197T>A (p.Phe66Tyr)

Gene: IL23R (interleukin 23 receptor; plus strand). Cytogenetic location: 1p31.3.
Variant type: single nucleotide variant.
Coding change: c.197T>A on transcript NM_144701.3 (MANE Select); coding-DNA position 197, T replaced by A.
Protein change: p.Phe66Tyr; replaces phenylalanine 66 with tyrosine.
Molecular consequence: missense variant.
Genome position (GRCh38, 1-based): chr1:67,169,468, T>A. VCF-style: chr1-67169468-T-A. GRCh37 (hg19) VCF-style: chr1-67635151-T-A.
Other names: short protein forms F66Y.
Identifiers: ClinVar variation 1963484 (VCV001963484.5), dbSNP rs2525203117, ClinGen allele CA340732375.

ClinVar aggregate classification (germline): Uncertain significance (1 of 4 stars; one submission).

Submission:

Labcorp Genetics (formerly Invitae), Labcorp
Classification: Uncertain significance. Last evaluated: 2024-02-23. Review status: criteria provided, single submitter. Criteria: Invitae Variant Classification Sherloc (09022015). Collection method: clinical testing. Allele origin: germline.
Comment: This sequence change replaces phenylalanine, which is neutral and non-polar, with tyrosine, which is neutral and polar, at codon 66 of the IL23R protein (p.Phe66Tyr). This variant is not present in population databases (gnomAD no frequency). This variant has not been reported in the literature in individuals affected with IL23R-related conditions. ClinVar contains an entry for this variant (Variation ID: 1963484). An algorithm developed to predict the effect of missense changes on protein structure and function (PolyPhen-2) suggests that this variant is likely to be disruptive. In summary, the available evidence is currently insufficient to determine the role of this variant in disease. Therefore, it has been classified as a Variant of Uncertain Significance.